The following is an entry in ClinVar:

NM_004369.4(COL6A3):c.649G>T (p.Val217Leu)

Gene: COL6A3 (collagen type VI alpha 3 chain; minus strand). Cytogenetic location: 2q37.3.
Variant type: single nucleotide variant.
Coding change: c.649G>T on transcript NM_004369.4 (MANE Select); coding-DNA position 649, G replaced by T.
Protein change: p.Val217Leu; replaces valine 217 with leucine.
Molecular consequence: missense variant. On other transcripts: intron variant (4).
Genome position (GRCh38, 1-based): chr2:237,394,647, C>A on the plus strand (G>T on the coding strand, the complement: COL6A3 is on the minus strand). VCF-style: chr2-237394647-C-A. GRCh37 (hg19) VCF-style: chr2-238303290-C-A.
Other names: c.91+2080G>T (NM_057166.5, NM_057167.4, NM_057164.5 and 1 more transcripts); short protein forms V217L.
Identifiers: ClinVar variation 1407704 (VCV001407704.6), dbSNP rs745761792, ClinGen allele CA67841680.

ClinVar aggregate classification (germline): Uncertain significance (1 of 4 stars; one submission).

Conditions:
Bethlem myopathy 1A. Also called: Bethlem myopathy 1; Bethlem Muscular Dystrophy; MYOPATHY, BENIGN CONGENITAL, WITH CONTRACTURES. Identifiers: Orphanet 610, MedGen CN029274, MONDO:0024530, OMIM 158810.

Allele frequency attached by ClinVar (database versions not stated): gnomAD exomes below 0.00001; TOPMed below 0.00001.
gnomAD v4.1: 4 of 1,614,196 alleles (0.00025%); highest among the groups gnomAD compares: Admixed American, 0.005%; no homozygotes.

Submission:

Labcorp Genetics (formerly Invitae), Labcorp
Classification: Uncertain significance for Bethlem myopathy 1A. Last evaluated: 2023-05-15. Review status: criteria provided, single submitter. Criteria: Invitae Variant Classification Sherloc (09022015). Collection method: clinical testing. Allele origin: germline.
Comment: ClinVar contains an entry for this variant (Variation ID: 1407704). This variant is present in population databases (rs745761792, gnomAD 0.0009%). This variant has not been reported in the literature in individuals affected with COL6A3-related conditions. Advanced modeling of protein sequence and biophysical properties (such as structural, functional, and spatial information, amino acid conservation, physicochemical variation, residue mobility, and thermodynamic stability) performed at Invitae indicates that this missense variant is not expected to disrupt COL6A3 protein function. In summary, the available evidence is currently insufficient to determine the role of this variant in disease. Therefore, it has been classified as a Variant of Uncertain Significance. This sequence change replaces valine, which is neutral and non-polar, with leucine, which is neutral and non-polar, at codon 217 of the COL6A3 protein (p.Val217Leu).